The following is an entry in ClinVar:

NM_001139.3(ALOX12B):c.311G>A (p.Trp104Ter)

Gene: ALOX12B (arachidonate 12-lipoxygenase, 12R type; minus strand). Cytogenetic location: 17p13.1.
Variant type: single nucleotide variant.
Coding change: c.311G>A on transcript NM_001139.3 (MANE Select); coding-DNA position 311, G replaced by A.
Protein change: p.Trp104Ter; replaces tryptophan 104 with a stop codon.
Molecular consequence: nonsense.
Genome position (GRCh38, 1-based): chr17:8,086,057, C>T on the plus strand (G>A on the coding strand, the complement: ALOX12B is on the minus strand). VCF-style: chr17-8086057-C-T. GRCh37 (hg19) VCF-style: chr17-7989375-C-T.
Other names: short protein forms W104*.
Identifiers: ClinVar variation 3619195 (VCV003619195.2).

ClinVar aggregate classification (germline): Pathogenic (1 of 4 stars; one submission).

gnomAD v4.1: 2 of 1,614,200 alleles (0.00012%); highest among the groups gnomAD compares: Non-Finnish European, 0.00017%; no homozygotes.

Submission:

Labcorp Genetics (formerly Invitae), Labcorp
Classification: Pathogenic. Last evaluated: 2024-06-20. Review status: criteria provided, single submitter. Criteria: Invitae Variant Classification Sherloc (09022015). Collection method: clinical testing. Allele origin: germline.
Comment: This sequence change creates a premature translational stop signal (p.Trp104*) in the ALOX12B gene. It is expected to result in an absent or disrupted protein product. Loss-of-function variants in ALOX12B are known to be pathogenic (PMID: 16116617, 23621129, 31046801). This variant is not present in population databases (gnomAD no frequency). This variant has not been reported in the literature in individuals affected with ALOX12B-related conditions. For these reasons, this variant has been classified as Pathogenic.

Literature cited by the submitters: PubMed 16116617; PubMed 23621129; PubMed 31046801.